The following is an entry in ClinVar:

NM_000179.3(MSH6):c.3135G>T (p.Lys1045Asn)

Gene: MSH6 (mutS homolog 6; plus strand). Cytogenetic location: 2p16.3.
Variant type: single nucleotide variant.
Coding change: c.3135G>T on transcript NM_000179.3 (MANE Select); coding-DNA position 3135, G replaced by T.
Protein change: p.Lys1045Asn; replaces lysine 1045 with asparagine.
Molecular consequence: missense variant. On other transcripts: non-coding transcript variant (5), intron variant (2).
Genome position (GRCh38, 1-based): chr2:47,801,118, G>T. VCF-style: chr2-47801118-G-T. GRCh37 (hg19) VCF-style: chr2-48028257-G-T.
Other names: c.2229G>T, p.Lys743Asn (NM_001406816.1, NM_001406823.1, NM_001281493.2 and 6 more transcripts); c.2838G>T, p.Lys946Asn (NM_001406818.1, NM_001406819.1, NM_001406820.1 and 10 more transcripts); c.2967G>T, p.Lys989Asn (NM_001406826.1); c.2745G>T, p.Lys915Asn (NM_001281492.2); c.3231G>T, p.Lys1077Asn (NM_001406795.1, NM_001406802.1); c.3135G>T, p.Lys1045Asn (NM_001406796.1, NM_001406798.1, NM_001406800.1 and 2 more transcripts); c.2610G>T, p.Lys870Asn (NM_001406799.1, NM_001406806.1, NM_001406807.1); c.3057G>T, p.Lys1019Asn (NM_001406804.1); and 4 more; short protein forms K1077N, K360N, K870N, K1019N, K1047N, K915N, K946N, K1045N.
Identifiers: ClinVar variation 4825278 (VCV004825278.1).

ClinVar aggregate classification (germline): Uncertain significance (1 of 4 stars; one submission).

Conditions:
Hereditary cancer-predisposing syndrome. Also called: Neoplastic Syndromes, Hereditary; Tumor predisposition; Hereditary Cancer Syndrome; Hereditary neoplastic syndrome. Identifiers: Orphanet 140162, MedGen C0027672, MeSH D009386, MONDO:0015356.

Submission:

Ambry Genetics
Classification: Uncertain significance for Hereditary cancer-predisposing syndrome. Last evaluated: 2026-02-20. Review status: criteria provided, single submitter. Criteria: Ambry Variant Classification Scheme 2023. Collection method: clinical testing. Allele origin: germline.
Comment: The p.K1045N variant (also known as c.3135G>T), located in coding exon 4 of the MSH6 gene, results from a G to T substitution at nucleotide position 3135. The lysine at codon 1045 is replaced by asparagine, an amino acid with similar properties. This amino acid position is conserved. In addition, this alteration is predicted to be tolerated by in silico analysis. Based on the available evidence, the clinical significance of this variant remains unclear.